The following is an entry in ClinVar:

NM_003640.5(ELP1):c.3069G>A (p.Leu1023=)

Gene: ELP1 (elongator acetyltransferase complex subunit 1; minus strand). Cytogenetic location: 9q31.3.
Variant type: single nucleotide variant.
Coding change: c.3069G>A on transcript NM_003640.5 (MANE Select); coding-DNA position 3069, G replaced by A.
Protein change: p.Leu1023=; no amino-acid change (leucine 1023 retained).
Molecular consequence: synonymous variant.
Genome position (GRCh38, 1-based): chr9:108,891,294, C>T on the plus strand (G>A on the coding strand, the complement: ELP1 is on the minus strand). VCF-style: chr9-108891294-C-T. GRCh37 (hg19) VCF-style: chr9-111653574-C-T.
Other names: c.2727G>A, p.Leu909= (NM_001318360.2); c.2022G>A, p.Leu674= (NM_001330749.2); c.3069G>A (NM_003640.4).
Identifiers: ClinVar variation 697509 (VCV000697509.22), dbSNP rs1063110, ClinGen allele CA5174442.

ClinVar aggregate classification (germline): Likely benign. Review status: criteria provided, multiple submitters, no conflicts (2 of 4 stars). 7 submissions from 7 submitters: Likely benign (6). 1 of the submissions does not count toward it. Last evaluated 2026-02-04.

Conditions:
Medulloblastoma (MDB). Also called: Medulloblastoma, somatic; MEDULLOBLASTOMA PREDISPOSITION SYNDROME. Identifiers: Orphanet 616, MedGen C0025149, MeSH D008527, MONDO:0007959, OMIM 155255, HP:0002885.
Familial dysautonomia. Also called: HSAN III; FD. Identifiers: Orphanet 1764, MedGen C0013364, MONDO:0009131, OMIM 223900. Disease mechanism: loss of function.
ELP1-related disorder. Also called: ELP1-related condition.

Allele frequency attached by ClinVar (database versions not stated): 1000 Genomes Project 30x 0.00109; 1000 Genomes Project 0.00120.
gnomAD v4.1: 138 of 1,614,030 alleles (0.0086%); highest among the groups gnomAD compares: African/African-American, 0.16%; 1 homozygote.

Submissions (7):

Labcorp Genetics (formerly Invitae), Labcorp
Classification: Likely benign. Last evaluated: 2026-02-04. Review status: criteria provided, single submitter. Criteria: Invitae Variant Classification Sherloc (09022015). Collection method: clinical testing. Allele origin: germline.

PreventionGenetics, part of Exact Sciences
Classification: Likely benign for ELP1-related condition. Last evaluated: 2025-07-23. Review status: criteria provided, single submitter. Criteria: ACMG Guidelines, 2015. Collection method: clinical testing. Allele origin: germline.
Comment: This variant is classified as likely benign based on ACMG/AMP sequence variant interpretation guidelines (Richards et al. 2015 PMID: 25741868, with internal and published modifications).

CeGaT Center for Human Genetics Tuebingen
Classification: Likely benign. Last evaluated: 2025-03-01. Review status: criteria provided, single submitter. Criteria: CeGaT Center For Human Genetics Tuebingen Variant Classification Criteria Version 2. Collection method: clinical testing. Allele origin: germline. Affected: yes. Observed: 1 variant allele.
Comment: ELP1: BP4, BP7

Ambry Genetics
Classification: Likely benign. Last evaluated: 2024-06-30. Review status: criteria provided, single submitter. Criteria: Ambry Variant Classification Scheme 2023. Collection method: clinical testing. Allele origin: germline.

Fulgent Genetics
Classification: Likely benign for Medulloblastoma; Familial dysautonomia. Last evaluated: 2021-08-16. Review status: criteria provided, single submitter. Criteria: ACMG Guidelines, 2015. Collection method: clinical testing. Allele origin: unknown.

Breakthrough Genomics
Classification: Likely benign. Review status: criteria provided, single submitter. Criteria: ACMG Guidelines, 2015. Collection method: not provided. Allele origin: germline. Inheritance: Autosomal recessive inheritance. Affected: yes.

Natera, Inc.
Classification: Likely benign for Familial dysautonomia. Last evaluated: 2020-05-30. Review status: no assertion criteria provided. Collection method: clinical testing. Allele origin: germline. Not counted in ClinVar's aggregate classification.